The following is an entry in ClinVar:

ClinVar aggregate classification (germline): Uncertain significance. Review status: criteria provided, multiple submitters, no conflicts (2 of 4 stars). 2 submissions from 2 submitters: Uncertain significance (2). Last evaluated 2025-12-21.

Conditions:
Brachyolmia-amelogenesis imperfecta syndrome. Also called: PLATYSPONDYLY WITH AMELOGENESIS IMPERFECTA; Tooth agenesis, selective, 6; Dental anomalies and short stature. Identifiers: Orphanet 2899, MedGen C1832594, MONDO:0011018, OMIM 601216. Disease mechanism: loss of function.
Inborn genetic diseases. Identifiers: MedGen C0950123, MeSH D030342.

Allele frequency attached by ClinVar (database versions not stated): gnomAD exomes 0.00001 and 0.00006; ExAC 0.00007; 1000 Genomes Project 30x 0.00016; 1000 Genomes Project 0.00020; gnomAD 0.00023 and 0.00025; TOPMed 0.00028; ESP Exome Variant Server 0.00038.
gnomAD v4.1: 60 of 1,614,202 alleles (0.0037%); highest among the groups gnomAD compares: African/African-American, 0.055%; no homozygotes.

Submissions (2):

Labcorp Genetics (formerly Invitae), Labcorp
Classification: Uncertain significance for Brachyolmia-amelogenesis imperfecta syndrome. Last evaluated: 2025-12-21. Review status: criteria provided, single submitter. Criteria: Invitae Variant Classification Sherloc (09022015). Collection method: clinical testing. Allele origin: germline.
Comment: This sequence change replaces histidine, which is basic and polar, with arginine, which is basic and polar, at codon 367 of the LTBP3 protein (p.His367Arg). This variant is present in population databases (rs142692132, gnomAD 0.07%). This variant has not been reported in the literature in individuals affected with LTBP3-related conditions. ClinVar contains an entry for this variant (Variation ID: 1392663). An algorithm developed to predict the effect of missense changes on protein structure and function (PolyPhen-2) suggests that this variant is likely to be tolerated. In summary, the available evidence is currently insufficient to determine the role of this variant in disease. Therefore, it has been classified as a Variant of Uncertain Significance.

Ambry Genetics
Classification: Uncertain significance for Inborn genetic diseases. Last evaluated: 2023-12-28. Review status: criteria provided, single submitter. Criteria: Ambry Variant Classification Scheme 2023. Collection method: clinical testing. Allele origin: germline.

NM_001130144.3(LTBP3):c.1100A>G (p.His367Arg)

Gene: LTBP3 (latent transforming growth factor beta binding protein 3; minus strand). Cytogenetic location: 11q13.1.
Variant type: single nucleotide variant.
Coding change: c.1100A>G on transcript NM_001130144.3 (MANE Select); coding-DNA position 1100, A replaced by G.
Protein change: p.His367Arg; replaces histidine 367 with arginine.
Molecular consequence: missense variant.
Genome position (GRCh38, 1-based): chr11:65,552,946, T>C on the plus strand (A>G on the coding strand, the complement: LTBP3 is on the minus strand). VCF-style: chr11-65552946-T-C. GRCh37 (hg19) VCF-style: chr11-65320417-T-C.
Other names: c.749A>G, p.His250Arg (NM_001164266.1); c.1100A>G, p.His367Arg (NM_021070.4); c.1100A>G (NM_001130144.2); short protein forms H367R, H250R.
Identifiers: ClinVar variation 1392663 (VCV001392663.7), dbSNP rs142692132, ClinGen allele CA6101065.